The following is an entry in ClinVar:

NM_004991.4(MECOM):c.2398A>T (p.Lys800Ter)

Gene: MECOM (MDS1 and EVI1 complex locus; minus strand). Cytogenetic location: 3q26.2.
Variant type: single nucleotide variant.
Coding change: c.2398A>T on transcript NM_004991.4 (MANE Select); coding-DNA position 2398, A replaced by T.
Protein change: p.Lys800Ter; replaces lysine 800 with a stop codon.
Molecular consequence: nonsense.
Genome position (GRCh38, 1-based): chr3:169,115,474, T>A on the plus strand (A>T on the coding strand, the complement: MECOM is on the minus strand). VCF-style: chr3-169115474-T-A. GRCh37 (hg19) VCF-style: chr3-168833262-T-A.
Other names: c.2029A>T, p.Lys677Ter (NM_001105077.4); c.1834A>T, p.Lys612Ter (NM_001105078.4, NM_001164000.2, NM_001205194.2 and 4 more transcripts); c.1837A>T, p.Lys613Ter (NM_001163999.2, NM_001366467.2, NM_001366468.2 and 1 more transcripts); c.2398A>T, p.Lys800Ter (NM_001366466.2); c.1426A>T, p.Lys476Ter (NM_001366473.2); c.862A>T, p.Lys288Ter (NM_001366474.2); short protein forms K288*, K476*, K612*, K613*, K677*, K800*.
Identifiers: ClinVar variation 1676728 (VCV001676728.1), dbSNP rs1475580175, ClinGen allele CA355084530.

ClinVar aggregate classification (germline): Likely pathogenic (1 of 4 stars; one submission).

Conditions:
Radioulnar synostosis with amegakaryocytic thrombocytopenia 2 (RUSAT2). Also called: RADIOULNAR SYNOSTOSIS AND AMEGAKARYOCYTIC THROMBOCYTOPENIA 2. Identifiers: Orphanet 71289, MedGen C4225221, MONDO:0014758, OMIM 616738.

Submission:

ISTH-SSC Genomics in Thrombosis and Hemostasis, KU Leuven, Center for Molecular and Vascular Biology
Classification: Likely pathogenic for Radioulnar synostosis with amegakaryocytic thrombocytopenia 2. Review status: criteria provided, single submitter. Criteria: ACMG Guidelines, 2015. Collection method: clinical testing. Allele origin: unknown. Affected: yes.
Comment: Submitted to GoldVariant by Kathleen Freson, Center for Molecular and Vascular Biology, Leuven, Belgium

Literature cited by the submitters: PubMed 34355501.